The following is an entry in ClinVar:

ClinVar aggregate classification (germline): Likely benign (1 of 4 stars; one submission).

Submission:

CeGaT Center for Human Genetics Tuebingen
Classification: Likely benign. Last evaluated: 2026-05-01. Review status: criteria provided, single submitter. Criteria: CeGaT Center For Human Genetics Tuebingen Variant Classification Criteria Version 2. Collection method: clinical testing. Allele origin: germline. Affected: yes. Observed: 1 variant allele.
Comment: PRF1: PM2:Supporting, BP4, BP7

NM_001083116.3(PRF1):c.1627C>T (p.Leu543=)

Gene: PRF1 (perforin 1; minus strand). Cytogenetic location: 10q22.1.
Variant type: single nucleotide variant.
Coding change: c.1627C>T on transcript NM_001083116.3 (MANE Select); coding-DNA position 1627, C replaced by T.
Protein change: p.Leu543=; no amino-acid change (leucine 543 retained).
Molecular consequence: synonymous variant.
Genome position (GRCh38, 1-based): chr10:70,598,094, G>A on the plus strand (C>T on the coding strand, the complement: PRF1 is on the minus strand). VCF-style: chr10-70598094-G-A. GRCh37 (hg19) VCF-style: chr10-72357850-G-A.
Other names: c.1627C>T, p.Leu543= (NM_005041.6).
Identifiers: ClinVar variation 4873012 (VCV004873012.2).